The following is an entry in ClinVar:

NM_001347.4(DGKQ):c.1886+10G>T

Gene: DGKQ (diacylglycerol kinase theta; minus strand). Cytogenetic location: 4p16.3.
Variant type: single nucleotide variant.
Coding change: c.1886+10G>T on transcript NM_001347.4 (MANE Select); 10 bases into the intron after coding-DNA position 1886, G replaced by T.
Molecular consequence: intron variant.
Genome position (GRCh38, 1-based): chr4:963,129, C>A on the plus strand (G>T on the coding strand, the complement: DGKQ is on the minus strand). VCF-style: chr4-963129-C-A. GRCh37 (hg19) VCF-style: chr4-956917-C-A.
Identifiers: ClinVar variation 3043989 (VCV003043989.2), dbSNP rs543716400, ClinGen allele CA2800234.

ClinVar aggregate classification (germline): Likely benign (0 of 4 stars; one submission).

Conditions:
DGKQ-related disorder. Also called: DGKQ-related condition.

Allele frequency attached by ClinVar (database versions not stated): 1000 Genomes Project 30x 0.00031; ExAC 0.00059; TOPMed 0.00003; gnomAD 0.00007; 1000 Genomes Project 0.00020.
gnomAD v4.1: 258 of 1,590,076 alleles (0.016%); highest among the groups gnomAD compares: South Asian, 0.26%; 4 homozygotes.

Submission:

PreventionGenetics, part of Exact Sciences
Classification: Likely benign for DGKQ-related condition. Last evaluated: 2019-06-07. Review status: no assertion criteria provided. Collection method: clinical testing. Allele origin: germline.
Comment: This variant is classified as likely benign based on ACMG/AMP sequence variant interpretation guidelines (Richards et al. 2015 PMID: 25741868, with internal and published modifications).